The following is an entry in ClinVar:

NM_006939.4(SOS2):c.1295_1296delinsTT (p.Gly432Val)

Gene: SOS2 (SOS Ras/Rho guanine nucleotide exchange factor 2; minus strand). Cytogenetic location: 14q21.3.
Variant type: Indel.
Coding change: c.1295_1296delinsTT on transcript NM_006939.4 (MANE Select); coding-DNA positions 1295 to 1296, GC replaced by TT.
Protein change: p.Gly432Val; replaces glycine 432 with valine.
Molecular consequence: missense variant.
Genome position (GRCh38, 1-based): chr14:50,159,987-50,159,988, GC replaced by AA on the plus strand (GC replaced by TT on the coding strand, the reverse complement: SOS2 is on the minus strand). VCF-style: chr14-50159987-GC-AA. GRCh37 (hg19) VCF-style: chr14-50626705-GC-AA.
Other names: short protein forms G432V.
Identifiers: ClinVar variation 1703467 (VCV001703467.3), dbSNP rs2502991844, ClinGen allele CA2580088202.

ClinVar aggregate classification (germline): Uncertain significance (1 of 4 stars; one submission).

Submission:

GeneDx
Classification: Uncertain significance. Last evaluated: 2026-04-09. Review status: criteria provided, single submitter. Criteria: GeneDx Variant Classification Process June 2021. Collection method: clinical testing. Allele origin: germline.
Comment: Not observed at significant frequency in large population cohorts (gnomAD); In silico analysis supports a deleterious effect on protein structure/function; Has not been previously published as pathogenic or benign to our knowledge